The following is an entry in ClinVar:

ClinVar aggregate classification (germline): Uncertain significance (1 of 4 stars; one submission).

Allele frequency attached by ClinVar (database versions not stated): ExAC 0.00001; gnomAD 0.00001; TOPMed 0.00001; gnomAD exomes 0.00002 and 0.00003; 1000 Genomes Project 30x 0.00016.
gnomAD v4.1: 25 of 1,613,724 alleles (0.0015%); highest among the groups gnomAD compares: East Asian, 0.0067%; no homozygotes.

Submission:

Labcorp Genetics (formerly Invitae), Labcorp
Classification: Uncertain significance. Last evaluated: 2022-03-10. Review status: criteria provided, single submitter. Criteria: Invitae Variant Classification Sherloc (09022015). Collection method: clinical testing. Allele origin: germline.
Comment: This sequence change replaces arginine, which is basic and polar, with glutamine, which is neutral and polar, at codon 3148 of the LRP2 protein (p.Arg3148Gln). This variant is present in population databases (rs767792717, gnomAD 0.02%). This variant has not been reported in the literature in individuals affected with LRP2-related conditions. Advanced modeling of protein sequence and biophysical properties (such as structural, functional, and spatial information, amino acid conservation, physicochemical variation, residue mobility, and thermodynamic stability) performed at Invitae indicates that this missense variant is not expected to disrupt LRP2 protein function. Algorithms developed to predict the effect of sequence changes on RNA splicing suggest that this variant may create or strengthen a splice site. In summary, the available evidence is currently insufficient to determine the role of this variant in disease. Therefore, it has been classified as a Variant of Uncertain Significance.

NM_004525.3(LRP2):c.9443G>A (p.Arg3148Gln)

Gene: LRP2 (LDL receptor related protein 2; minus strand). Cytogenetic location: 2q31.1.
Variant type: single nucleotide variant.
Coding change: c.9443G>A on transcript NM_004525.3 (MANE Select); coding-DNA position 9443, G replaced by A.
Protein change: p.Arg3148Gln; replaces arginine 3148 with glutamine.
Molecular consequence: missense variant.
Genome position (GRCh38, 1-based): chr2:169,185,905, C>T on the plus strand (G>A on the coding strand, the complement: LRP2 is on the minus strand). VCF-style: chr2-169185905-C-T. GRCh37 (hg19) VCF-style: chr2-170042415-C-T.
Other names: short protein forms R3148Q.
Identifiers: ClinVar variation 1524646 (VCV001524646.3), dbSNP rs767792717, ClinGen allele CA1953570.